The following is an entry in ClinVar:

ClinVar aggregate classification (germline): Uncertain significance (1 of 4 stars; one submission).

Submission:

Labcorp Genetics (formerly Invitae), Labcorp
Classification: Uncertain significance. Last evaluated: 2022-02-10. Review status: criteria provided, single submitter. Criteria: Invitae Variant Classification Sherloc (09022015). Collection method: clinical testing. Allele origin: germline.
Comment: This sequence change replaces alanine, which is neutral and non-polar, with serine, which is neutral and polar, at codon 768 of the TOP2B protein (p.Ala768Ser). This variant is not present in population databases (gnomAD no frequency). This variant has not been reported in the literature in individuals affected with TOP2B-related conditions. Algorithms developed to predict the effect of missense changes on protein structure and function (SIFT, PolyPhen-2, Align-GVGD) all suggest that this variant is likely to be tolerated. In summary, the available evidence is currently insufficient to determine the role of this variant in disease. Therefore, it has been classified as a Variant of Uncertain Significance.

NM_001330700.2(TOP2B):c.2317G>T (p.Ala773Ser)

Gene: TOP2B (DNA topoisomerase II beta; minus strand). Cytogenetic location: 3p24.2.
Variant type: single nucleotide variant.
Coding change: c.2317G>T on transcript NM_001330700.2 (MANE Select); coding-DNA position 2317, G replaced by T.
Protein change: p.Ala773Ser; replaces alanine 773 with serine.
Molecular consequence: missense variant.
Genome position (GRCh38, 1-based): chr3:25,624,711, C>A on the plus strand (G>T on the coding strand, the complement: TOP2B is on the minus strand). VCF-style: chr3-25624711-C-A. GRCh37 (hg19) VCF-style: chr3-25666202-C-A.
Other names: c.2302G>T, p.Ala768Ser (NM_001068.3); short protein forms A773S, A768S.
Identifiers: ClinVar variation 1519419 (VCV001519419.8), dbSNP rs2125370447, ClinGen allele CA351903310.
Genomic context (GRCh38, chr3:25,624,711, plus strand): 5'-GTTCTCAATTGATTCCAATCTTAATGCTTACTTCTCCATGATGATAAGCCGACATCTCAG[C>A]AACAGAGCCAGCCAACTGGGCAACTTTTACTTCACGTTTATCATTCCTCTTGAAACAGGT-3'
Protein context (NP_001317629.1, residues 763-783): VKVAQLAGSV[Ala773Ser]EMSAYHHGEQ